The following is an entry in ClinVar:

NM_000218.3(KCNQ1):c.1514+10154C>A

Genes: KCNQ1 (potassium voltage-gated channel subfamily Q member 1; plus strand), KCNQ1OT1 (KCNQ1 opposite strand/antisense transcript 1; minus strand). Cytogenetic location: 11p15.5.
Variant type: single nucleotide variant.
Coding change: c.1514+10154C>A on transcript NM_000218.3 (MANE Select); 10154 bases into the intron after coding-DNA position 1514, C replaced by A.
Molecular consequence: intron variant. On other transcripts: non-coding transcript variant (1).
Genome position (GRCh38, 1-based): chr11:2,672,235, C>A. VCF-style: chr11-2672235-C-A. GRCh37 (hg19) VCF-style: chr11-2693465-C-A.
Other names: c.1244+10154C>A (NM_001406837.1); c.1418+10154C>A (NM_001406836.1); c.974+10154C>A (NM_001406838.1); c.1133+10154C>A (NM_181798.2).
Identifiers: ClinVar variation 3389317 (VCV003389317.14).

ClinVar aggregate classification (germline): Likely benign (1 of 4 stars; one submission).

gnomAD v4.1: 105 of 398,660 alleles (0.026%); highest among the groups gnomAD compares: Admixed American, 0.29%; no homozygotes.

Submission:

CeGaT Center for Human Genetics Tuebingen
Classification: Likely benign. Last evaluated: 2024-11-01. Review status: criteria provided, single submitter. Criteria: CeGaT Center For Human Genetics Tuebingen Variant Classification Criteria Version 2. Collection method: clinical testing. Allele origin: germline. Affected: yes. Observed: 1 variant allele.
Comment: KCNQ1OT1: BS1